The following is an entry in ClinVar:

ClinVar aggregate classification (germline): Likely benign (1 of 4 stars; one submission).

Submission:

GeneDx
Classification: Likely benign. Last evaluated: 2018-06-16. Review status: criteria provided, single submitter. Criteria: GeneDx Variant Classification (06012015). Collection method: clinical testing. Allele origin: germline. Affected: yes.
Comment: This variant is considered likely benign or benign based on one or more of the following criteria: it is a conservative change, it occurs at a poorly conserved position in the protein, it is predicted to be benign by multiple in silico algorithms, and/or has population frequency not consistent with disease.

NM_000393.5(COL5A2):c.568-166_568-163del

Gene: COL5A2 (collagen type V alpha 2 chain; minus strand). Cytogenetic location: 2q32.2.
Variant type: Deletion.
Coding change: c.568-166_568-163del on transcript NM_000393.5 (MANE Select); 166 bases into the intron before coding-DNA position 568 through 163 bases into the intron before coding-DNA position 568, 4 bases deleted (TCAA; older notation c.568-166_568-163delTCAA).
Molecular consequence: intron variant.
Genome position (GRCh38, 1-based): chr2:189,088,935-189,088,938, TTGA deleted on the plus strand (TCAA on the coding strand, the reverse complement: COL5A2 is on the minus strand); deleting any 4 consecutive bases within chr2:189,088,935-189,088,941 gives the same sequence; the c. name uses the placement nearest the transcript's 3' end. VCF-style (leftmost placement, unchanged base first): chr2-189088934-TTTGA-T. GRCh37 (hg19) VCF-style: chr2-189953660-TTTGA-T.
Identifiers: ClinVar variation 674504 (VCV000674504.1), dbSNP rs75422763, ClinGen allele CA62569806.